The following is an entry in ClinVar:

ClinVar aggregate classification (germline): Uncertain significance (0 of 4 stars; one submission).

Conditions:
CREBBP-related disorder. Also called: CREBBP-related condition; CREBBP-related disorders.

Submission:

PreventionGenetics, part of Exact Sciences
Classification: Uncertain significance for CREBBP-related condition. Last evaluated: 2024-06-12. Review status: no assertion criteria provided. Collection method: clinical testing. Allele origin: germline.
Comment: The CREBBP c.5105G>A variant is predicted to result in the amino acid substitution p.Arg1702His. To our knowledge, this variant has not been reported in the literature or in a large population database, indicating this variant is rare. At this time, the clinical significance of this variant is uncertain due to the absence of conclusive functional and genetic evidence.

NM_004380.3(CREBBP):c.5105G>A (p.Arg1702His)

Gene: CREBBP (CREB binding lysine acetyltransferase; minus strand). Cytogenetic location: 16p13.3.
Variant type: single nucleotide variant.
Coding change: c.5105G>A on transcript NM_004380.3 (MANE Select); coding-DNA position 5105, G replaced by A.
Protein change: p.Arg1702His; replaces arginine 1702 with histidine.
Molecular consequence: missense variant.
Genome position (GRCh38, 1-based): chr16:3,731,259, C>T on the plus strand (G>A on the coding strand, the complement: CREBBP is on the minus strand). VCF-style: chr16-3731259-C-T. GRCh37 (hg19) VCF-style: chr16-3781260-C-T.
Other names: c.4991G>A, p.Arg1664His (NM_001079846.1); short protein forms R1664H, R1702H.
Identifiers: ClinVar variation 3347926 (VCV003347926.1).